The following is an entry in ClinVar:

ClinVar aggregate classification (germline): Benign/Likely benign. Review status: criteria provided, multiple submitters, no conflicts (2 of 4 stars). 3 submissions from 3 submitters: Benign (1); Likely benign (2). Last evaluated 2025-06-16.

Conditions:
Hereditary cancer-predisposing syndrome. Also called: Tumor predisposition; Hereditary Cancer Syndrome; Neoplastic Syndromes, Hereditary; Hereditary neoplastic syndrome. Identifiers: Orphanet 140162, MedGen C0027672, MeSH D009386, MONDO:0015356.
Familial cancer of breast. Also called: BREAST CANCER, FAMILIAL; Hereditary breast cancer; hereditary breast carcinoma. Identifiers: Orphanet 227535, MedGen C0346153, MONDO:0016419, OMIM 114480. Disease mechanism: loss of function.

Allele frequency attached by ClinVar (database versions not stated): gnomAD 0.00001.
gnomAD v4.1: 1 of 1,613,930 alleles (0.000062%); highest among the groups gnomAD compares: African/African-American, 0.0013%; no homozygotes.

Submissions (3):

Labcorp Genetics (formerly Invitae), Labcorp
Classification: Likely benign for Familial cancer of breast. Last evaluated: 2025-06-16. Review status: criteria provided, single submitter. Criteria: Invitae Variant Classification Sherloc (09022015). Collection method: clinical testing. Allele origin: germline.

Myriad Genetics, Inc.
Classification: Benign for Familial cancer of breast. Last evaluated: 2024-10-04. Review status: criteria provided, single submitter. Criteria: Myriad Autosomal Dominant, Autosomal Recessive and X-Linked Classification Criteria (2023). Collection method: clinical testing. Allele origin: unknown.
Comment: This variant is considered benign. This variant is a silent/synonymous amino acid change and it is not expected to impact splicing.

Ambry Genetics
Classification: Likely benign for Hereditary cancer-predisposing syndrome. Last evaluated: 2019-11-18. Review status: criteria provided, single submitter. Criteria: Ambry Variant Classification Scheme 2023. Collection method: clinical testing. Allele origin: germline.

NM_007194.4(CHEK2):c.954C>T (p.Arg318=)

Gene: CHEK2 (checkpoint kinase 2; minus strand). Cytogenetic location: 22q12.1.
Variant type: single nucleotide variant.
Coding change: c.954C>T on transcript NM_007194.4 (MANE Select); coding-DNA position 954, C replaced by T.
Protein change: p.Arg318=; no amino-acid change (arginine 318 retained).
Molecular consequence: synonymous variant.
Genome position (GRCh38, 1-based): chr22:28,699,892, G>A on the plus strand (C>T on the coding strand, the complement: CHEK2 is on the minus strand). VCF-style: chr22-28699892-G-A. GRCh37 (hg19) VCF-style: chr22-29095880-G-A.
Other names: c.1083C>T, p.Arg361= (NM_001005735.3); c.291C>T, p.Arg97= (NM_001257387.3); c.753C>T, p.Arg251= (NM_001349956.3); c.954C>T, p.Arg318= (NM_145862.3).
Identifiers: ClinVar variation 823327 (VCV000823327.15), dbSNP rs1601738778, ClinGen allele CA513945037.